The following is an entry in ClinVar:

NM_005876.5(SPEG):c.6814C>G (p.Pro2272Ala)

Genes: ASIC4-AS1 (ASIC4 antisense RNA 1; minus strand), SPEG (striated muscle enriched protein kinase; plus strand). Cytogenetic location: 2q35.
Variant type: single nucleotide variant.
Coding change: c.6814C>G on transcript NM_005876.5 (MANE Select); coding-DNA position 6814, C replaced by G.
Protein change: p.Pro2272Ala; replaces proline 2272 with alanine.
Molecular consequence: missense variant.
Genome position (GRCh38, 1-based): chr2:219,484,277, C>G. VCF-style: chr2-219484277-C-G. GRCh37 (hg19) VCF-style: chr2-220348999-C-G.
Other names: short protein forms P2272A.
Identifiers: ClinVar variation 1715389 (VCV001715389.5), dbSNP rs1275866494, ClinGen allele CA350699688.

ClinVar aggregate classification (germline): Uncertain significance (1 of 4 stars; one submission).

Allele frequency attached by ClinVar (database versions not stated): gnomAD 0.00001.
gnomAD v4.1: 1 of 1,608,668 alleles (0.000062%); highest among the groups gnomAD compares: African/African-American, 0.0013%; no homozygotes.

Submission:

Labcorp Genetics (formerly Invitae), Labcorp
Classification: Uncertain significance. Last evaluated: 2022-08-06. Review status: criteria provided, single submitter. Criteria: Invitae Variant Classification Sherloc (09022015). Collection method: clinical testing. Allele origin: germline.
Comment: In summary, the available evidence is currently insufficient to determine the role of this variant in disease. Therefore, it has been classified as a Variant of Uncertain Significance. Algorithms developed to predict the effect of missense changes on protein structure and function (SIFT, PolyPhen-2, Align-GVGD) all suggest that this variant is likely to be tolerated. This variant has not been reported in the literature in individuals affected with SPEG-related conditions. This variant is not present in population databases (gnomAD no frequency). This sequence change replaces proline, which is neutral and non-polar, with alanine, which is neutral and non-polar, at codon 2272 of the SPEG protein (p.Pro2272Ala).